The following is an entry in ClinVar:

NM_001999.4(FBN2):c.1586C>A (p.Ala529Glu)

Gene: FBN2 (fibrillin 2; minus strand). Cytogenetic location: 5q23.3.
Variant type: single nucleotide variant.
Coding change: c.1586C>A on transcript NM_001999.4 (MANE Select); coding-DNA position 1586, C replaced by A.
Protein change: p.Ala529Glu; replaces alanine 529 with glutamic acid.
Molecular consequence: missense variant.
Genome position (GRCh38, 1-based): chr5:128,392,035, G>T on the plus strand (C>A on the coding strand, the complement: FBN2 is on the minus strand). VCF-style: chr5-128392035-G-T. GRCh37 (hg19) VCF-style: chr5-127727728-G-T.
Other names: short protein forms A529E.
Identifiers: ClinVar variation 2704379 (VCV002704379.3), dbSNP rs2479432824, ClinGen allele CA360747331.

ClinVar aggregate classification (germline): Uncertain significance (1 of 4 stars; one submission).

Conditions:
Congenital contractural arachnodactyly (CCA). Also called: BEALS SYNDROME; Beals-Hecht syndrome; Arthrogryposis, distal, type 9. Identifiers: Orphanet 115, MedGen C0220668, MONDO:0007363, OMIM 121050.

Submission:

Labcorp Genetics (formerly Invitae), Labcorp
Classification: Uncertain significance for Congenital contractural arachnodactyly. Last evaluated: 2023-12-20. Review status: criteria provided, single submitter. Criteria: Invitae Variant Classification Sherloc (09022015). Collection method: clinical testing. Allele origin: germline.
Comment: This sequence change replaces alanine, which is neutral and non-polar, with glutamic acid, which is acidic and polar, at codon 529 of the FBN2 protein (p.Ala529Glu). This variant is not present in population databases (gnomAD no frequency). This variant has not been reported in the literature in individuals affected with FBN2-related conditions. Advanced modeling of protein sequence and biophysical properties (such as structural, functional, and spatial information, amino acid conservation, physicochemical variation, residue mobility, and thermodynamic stability) performed at Invitae indicates that this missense variant is not expected to disrupt FBN2 protein function with a negative predictive value of 80%. In summary, the available evidence is currently insufficient to determine the role of this variant in disease. Therefore, it has been classified as a Variant of Uncertain Significance.